The following is an entry in ClinVar:

NM_004656.4(BAP1):c.1463C>T (p.Pro488Leu)

Gene: BAP1 (BRCA1 associated deubiquitinase 1; minus strand). Cytogenetic location: 3p21.1.
Variant type: single nucleotide variant.
Coding change: c.1463C>T on transcript NM_004656.4 (MANE Select); coding-DNA position 1463, C replaced by T.
Protein change: p.Pro488Leu; replaces proline 488 with leucine.
Molecular consequence: missense variant.
Genome position (GRCh38, 1-based): chr3:52,403,682, G>A on the plus strand (C>T on the coding strand, the complement: BAP1 is on the minus strand). VCF-style: chr3-52403682-G-A. GRCh37 (hg19) VCF-style: chr3-52437698-G-A.
Other names: c.1409C>T, p.Pro470Leu (NM_001410772.1); short protein forms P488L, P470L.
Identifiers: ClinVar variation 4824088 (VCV004824088.1).
Genomic context (GRCh38, chr3:52,403,682, plus strand): 5'-CGCAGTGGCGAGTTGAAAGCACTGCCGATCTCAGAGGCCGTGTCTGTACTCTCATTGCTG[G>A]GGGTGGGTGAGGGCTGCGAGTGTGTGGGCACTGCCACAGCCGGACTCCCAGCCCCGCTGC-3'
Protein context (NP_004647.1, residues 478-498): VPTHSQPSPT[Pro488Leu]SNESTDTASE

ClinVar aggregate classification (germline): Uncertain significance (1 of 4 stars; one submission).

Conditions:
Hereditary cancer-predisposing syndrome. Also called: Neoplastic Syndromes, Hereditary; Hereditary neoplastic syndrome; Tumor predisposition; Hereditary Cancer Syndrome. Identifiers: Orphanet 140162, MedGen C0027672, MeSH D009386, MONDO:0015356.

Submission:

Ambry Genetics
Classification: Uncertain significance for Hereditary cancer-predisposing syndrome. Last evaluated: 2026-01-26. Review status: criteria provided, single submitter. Criteria: Ambry Variant Classification Scheme 2023. Collection method: clinical testing. Allele origin: germline.
Comment: The p.P488L variant (also known as c.1463C>T), located in coding exon 13 of the BAP1 gene, results from a C to T substitution at nucleotide position 1463. The proline at codon 488 is replaced by leucine, an amino acid with similar properties. This amino acid position is highly conserved in available vertebrate species. In addition, the in silico prediction for this alteration is inconclusive. Based on the available evidence, the clinical significance of this variant remains unclear.